The following is an entry in ClinVar:

ClinVar aggregate classification (germline): Likely pathogenic (1 of 4 stars; one submission).

Submission:

Labcorp Genetics (formerly Invitae), Labcorp
Classification: Likely pathogenic. Last evaluated: 2022-12-30. Review status: criteria provided, single submitter. Criteria: Invitae Variant Classification Sherloc (09022015). Collection method: clinical testing. Allele origin: unknown.
Comment: In summary, the currently available evidence indicates that the variant is pathogenic, but additional data are needed to prove that conclusively. Therefore, this variant has been classified as Likely Pathogenic. This variant has not been reported in the literature in individuals affected with EYS-related conditions. This variant results in a copy number gain of the genomic region encompassing exon(s) 23-26 of the EYS gene. While the exact position of this variant cannot be determined from the data, sub-genic copy number gains are generally in tandem (PMID: 25640679). This variant is predicted to be out-of-frame, and may result in an absent or disrupted protein product. Loss-of-function variants in EYS are known to be pathogenic (PMID: 18836446, 20333770).

Literature cited by the submitters: PubMed 25640679; PubMed 18836446; PubMed 20333770.

NC_000006.11:g.(?_65300096)_(65336158_?)dup

Gene: EYS (eyes shut homolog; minus strand). Cytogenetic location: 6q12.
Variant type: Duplication.
Identifiers: ClinVar variation 3246141 (VCV003246141.1).